The following is an entry in ClinVar:

NM_001122630.2(CDKN1C):c.676C>T (p.Pro226Ser)

Gene: CDKN1C (cyclin dependent kinase inhibitor 1C; minus strand). Cytogenetic location: 11p15.4.
Variant type: single nucleotide variant.
Coding change: c.676C>T on transcript NM_001122630.2 (MANE Select); coding-DNA position 676, C replaced by T.
Protein change: p.Pro226Ser; replaces proline 226 with serine.
Molecular consequence: missense variant. On other transcripts: intron variant (1).
Genome position (GRCh38, 1-based): chr11:2,884,781, G>A on the plus strand (C>T on the coding strand, the complement: CDKN1C is on the minus strand). VCF-style: chr11-2884781-G-A. GRCh37 (hg19) VCF-style: chr11-2906011-G-A.
Other names: c.709C>T, p.Pro237Ser (LRG_533t1, NM_000076.2, NM_001362474.2); c.676C>T, p.Pro226Ser (NM_001122631.2); c.255+421C>T (NM_001362475.2); short protein forms P237S, P226S.
Identifiers: ClinVar variation 454027 (VCV000454027.12), dbSNP rs1240280374, ClinGen allele CA379145765.

ClinVar aggregate classification (germline): Uncertain significance. Review status: criteria provided, multiple submitters, no conflicts (2 of 4 stars). 4 submissions from 4 submitters: Uncertain significance (4). Last evaluated 2025-12-12.

Conditions:
Inborn genetic diseases. Identifiers: MedGen C0950123, MeSH D030342.
Beckwith-Wiedemann syndrome (BWS). Also called: EMG SYNDROME; Exomphalos macroglossia gigantism syndrome. Identifiers: Orphanet 116, MedGen C0004903, MONDO:0007534, OMIM 130650.
IMAGe syndrome. Also called: Intrauterine growth retardation, metaphyseal dysplasia, adrenal hypoplasia congenita, and genital anomalies; Intrauterine Growth Restriction, Metaphyseal Dysplasia, Adrenal Hypoplasia Congenita, and Genital Anomalies. Identifiers: Orphanet 85173, MedGen C1846009, MONDO:0013873, OMIM 614732.

Allele frequency attached by ClinVar (database versions not stated): gnomAD 0.00001; gnomAD exomes 0.00001; TOPMed 0.00002.

Submissions (4):

Labcorp Genetics (formerly Invitae), Labcorp
Classification: Uncertain significance for Beckwith-Wiedemann syndrome. Last evaluated: 2025-12-12. Review status: criteria provided, single submitter. Criteria: Invitae Variant Classification Sherloc (09022015). Collection method: clinical testing. Allele origin: germline.
Comment: This sequence change replaces proline, which is neutral and non-polar, with serine, which is neutral and polar, at codon 237 of the CDKN1C protein (p.Pro237Ser). This variant is not present in population databases (gnomAD no frequency). This variant has not been reported in the literature in individuals affected with CDKN1C-related conditions. ClinVar contains an entry for this variant (Variation ID: 454027). Invitae Evidence Modeling of protein sequence and biophysical properties (such as structural, functional, and spatial information, amino acid conservation, physicochemical variation, residue mobility, and thermodynamic stability) indicates that this missense variant is not expected to disrupt CDKN1C protein function with a negative predictive value of 80%. In summary, the available evidence is currently insufficient to determine the role of this variant in disease. Therefore, it has been classified as a Variant of Uncertain Significance.

Ambry Genetics
Classification: Uncertain significance for Inborn genetic diseases. Last evaluated: 2025-09-01. Review status: criteria provided, single submitter. Criteria: Ambry Variant Classification Scheme 2023. Collection method: clinical testing. Allele origin: germline.

Fulgent Genetics
Classification: Uncertain significance for Beckwith-Wiedemann syndrome; IMAGe syndrome. Last evaluated: 2024-04-07. Review status: criteria provided, single submitter. Criteria: ACMG Guidelines, 2015. Collection method: clinical testing. Allele origin: germline.

Baylor Genetics
Classification: Uncertain significance for Beckwith-Wiedemann syndrome. Last evaluated: 2023-12-06. Review status: criteria provided, single submitter. Criteria: ACMG Guidelines, 2015. Collection method: clinical testing. Allele origin: unknown.